The following is an entry in ClinVar:

ClinVar aggregate classification (germline): Uncertain significance (1 of 4 stars; one submission).

Conditions:
Hereditary cancer-predisposing syndrome. Also called: Neoplastic Syndromes, Hereditary; Tumor predisposition; Hereditary neoplastic syndrome; Hereditary Cancer Syndrome. Identifiers: Orphanet 140162, MedGen C0027672, MeSH D009386, MONDO:0015356.
Cardiovascular phenotype. Identifiers: MedGen CN230736.

Allele frequency attached by ClinVar (database versions not stated): gnomAD exomes below 0.00001.
gnomAD v4.1: 2 of 1,614,218 alleles (0.00012%); highest among the groups gnomAD compares: Non-Finnish European, 0.00017%; no homozygotes.

Submission:

Ambry Genetics
Classification: Uncertain significance for Cardiovascular phenotype; Hereditary cancer-predisposing syndrome. Last evaluated: 2023-12-29. Review status: criteria provided, single submitter. Criteria: Ambry Variant Classification Scheme 2023. Collection method: clinical testing. Allele origin: germline.
Comment: The p.K111R variant (also known as c.332A>G), located in coding exon 4 of the NF1 gene, results from an A to G substitution at nucleotide position 332. The lysine at codon 111 is replaced by arginine, an amino acid with highly similar properties. This amino acid position is conserved. In addition, the in silico prediction for this alteration is inconclusive. Since supporting evidence is limited at this time, the clinical significance of this alteration remains unclear.

NM_001042492.3(NF1):c.332A>G (p.Lys111Arg)

Gene: NF1 (neurofibromin 1; plus strand). Cytogenetic location: 17q11.2.
Variant type: single nucleotide variant.
Coding change: c.332A>G on transcript NM_001042492.3 (MANE Select); coding-DNA position 332, A replaced by G.
Protein change: p.Lys111Arg; replaces lysine 111 with arginine.
Molecular consequence: missense variant.
Genome position (GRCh38, 1-based): chr17:31,163,229, A>G. VCF-style: chr17-31163229-A-G. GRCh37 (hg19) VCF-style: chr17-29490247-A-G.
Other names: c.332A>G, p.Lys111Arg (NM_000267.4, NM_001128147.3); short protein forms K111R.
Identifiers: ClinVar variation 3237726 (VCV003237726.1), dbSNP rs2143671187.